The following is an entry in ClinVar:

NM_006648.4(WNK2):c.6176G>A (p.Arg2059His)

Gene: WNK2 (WNK lysine deficient protein kinase 2; plus strand). Cytogenetic location: 9q22.31.
Variant type: single nucleotide variant.
Coding change: c.6176G>A on transcript NM_006648.4 (MANE Select); coding-DNA position 6176, G replaced by A.
Protein change: p.Arg2059His; replaces arginine 2059 with histidine.
Molecular consequence: missense variant.
Genome position (GRCh38, 1-based): chr9:93,300,111, G>A. VCF-style: chr9-93300111-G-A. GRCh37 (hg19) VCF-style: chr9-96062393-G-A.
Other names: c.6287G>A, p.Arg2096His (NM_001282394.3); short protein forms R2096H, R2059H.
Identifiers: ClinVar variation 3816941 (VCV003816941.1).

ClinVar aggregate classification (germline): Uncertain significance (1 of 4 stars; one submission).

gnomAD v4.1: 3 of 1,613,360 alleles (0.00019%); highest among the groups gnomAD compares: East Asian, 0.0022%; no homozygotes.

Submission:

Ambry Genetics
Classification: Uncertain significance. Last evaluated: 2025-01-30. Review status: criteria provided, single submitter. Criteria: Ambry Variant Classification Scheme 2023. Collection method: clinical testing. Allele origin: germline.
Comment: The p.R2059H variant (also known as c.6176G>A), located in coding exon 25 of the WNK2 gene, results from a G to A substitution at nucleotide position 6176. The arginine at codon 2059 is replaced by histidine, an amino acid with highly similar properties. This amino acid position is conserved. In addition, the in silico prediction for this alteration is inconclusive. Based on the available evidence, the clinical significance of this variant remains unclear.